The following is an entry in ClinVar:

ClinVar aggregate classification (germline): Benign/Likely benign. Review status: criteria provided, multiple submitters, no conflicts (2 of 4 stars). 2 submissions from 2 submitters: Benign (1); Likely benign (1). Last evaluated 2025-09-03.

Conditions:
Spastic paraplegia. Identifiers: MedGen C0037772, HP:0001258.

Allele frequency attached by ClinVar (database versions not stated): gnomAD exomes below 0.00001; gnomAD 0.00002; TOPMed 0.00002.

Submissions (2):

Women's Health and Genetics/Laboratory Corporation of America, LabCorp
Classification: Likely benign. Last evaluated: 2025-09-03. Review status: criteria provided, single submitter. Criteria: LabCorp Variant Classification Summary - May 2015. Collection method: clinical testing. Allele origin: germline.
Comment: Variant summary: L1CAM c.2929A>G (p.Thr977Ala) results in a non-conservative amino acid change in the encoded protein sequence. Algorithms developed to predict the effect of missense changes on protein structure and function are either unavailable or do not agree on the potential impact of this missense change. The variant allele was found at a frequency of 9.7e-06 in 205355 control chromosomes, including 2 hemizygotes. To our knowledge, no occurrence of c.2929A>G in individuals affected with L1CAM-related conditions and no experimental evidence demonstrating its impact on protein function have been reported. ClinVar contains an entry for this variant (Variation ID: 1909044). Based on the evidence outlined above, the variant was classified as likely benign.

Labcorp Genetics (formerly Invitae), Labcorp
Classification: Benign for Spastic paraplegia. Last evaluated: 2022-10-13. Review status: criteria provided, single submitter. Criteria: Invitae Variant Classification Sherloc (09022015). Collection method: clinical testing. Allele origin: germline.

NM_001278116.2(L1CAM):c.2929A>G (p.Thr977Ala)

Gene: L1CAM (L1 cell adhesion molecule; minus strand). Cytogenetic location: Xq28.
Variant type: single nucleotide variant.
Coding change: c.2929A>G on transcript NM_001278116.2 (MANE Select); coding-DNA position 2929, A replaced by G.
Protein change: p.Thr977Ala; replaces threonine 977 with alanine.
Molecular consequence: missense variant.
Genome position (GRCh38, 1-based): chrX:153,864,938, T>C on the plus strand (A>G on the coding strand, the complement: L1CAM is on the minus strand). VCF-style: chrX-153864938-T-C. GRCh37 (hg19) VCF-style: chrX-153130393-T-C.
Other names: c.2929A>G, p.Thr977Ala (NM_000425.5, NM_024003.3); c.2914A>G, p.Thr972Ala (NM_001143963.2); short protein forms T977A, T972A.
Identifiers: ClinVar variation 1909044 (VCV001909044.6), dbSNP rs998523939, ClinGen allele CA337259827.